The following is an entry in ClinVar:

NM_002017.5(FLI1):c.530G>C (p.Arg177Pro)

Gene: FLI1 (Fli-1 proto-oncogene, ETS transcription factor; plus strand). Cytogenetic location: 11q24.3.
Variant type: single nucleotide variant.
Coding change: c.530G>C on transcript NM_002017.5 (MANE Select); coding-DNA position 530, G replaced by C.
Protein change: p.Arg177Pro; replaces arginine 177 with proline.
Molecular consequence: missense variant. On other transcripts: intron variant (1).
Genome position (GRCh38, 1-based): chr11:128,772,926, G>C. VCF-style: chr11-128772926-G-C. GRCh37 (hg19) VCF-style: chr11-128642821-G-C.
Other names: c.431G>C, p.Arg144Pro (NM_001167681.3); c.332G>C, p.Arg111Pro (NM_001271010.2); c.11-9032G>C (NM_001271012.2); c.530G>C (NM_002017.3); short protein forms R177P, R144P, R111P.
Identifiers: ClinVar variation 2054635 (VCV002054635.5), dbSNP rs370316451, ClinGen allele CA230635956.

ClinVar aggregate classification (germline): Uncertain significance. Review status: criteria provided, multiple submitters, no conflicts (2 of 4 stars). 2 submissions from 2 submitters: Uncertain significance (2). Last evaluated 2025-08-14.

Conditions:
Inborn genetic diseases. Identifiers: MedGen C0950123, MeSH D030342.

gnomAD v4.1: 7 of 1,614,020 alleles (0.00043%); highest among the groups gnomAD compares: Admixed American, 0.012%; no homozygotes.

Submissions (2):

Ambry Genetics
Classification: Uncertain significance for Inborn genetic diseases. Last evaluated: 2025-08-14. Review status: criteria provided, single submitter. Criteria: Ambry Variant Classification Scheme 2023. Collection method: clinical testing. Allele origin: germline.

Labcorp Genetics (formerly Invitae), Labcorp
Classification: Uncertain significance. Last evaluated: 2024-11-05. Review status: criteria provided, single submitter. Criteria: Invitae Variant Classification Sherloc (09022015). Collection method: clinical testing. Allele origin: germline.
Comment: This sequence change replaces arginine, which is basic and polar, with proline, which is neutral and non-polar, at codon 177 of the FLI1 protein (p.Arg177Pro). This variant is present in population databases (no rsID available, gnomAD 0.01%). This variant has not been reported in the literature in individuals affected with FLI1-related conditions. ClinVar contains an entry for this variant (Variation ID: 2054635). Invitae Evidence Modeling of protein sequence and biophysical properties (such as structural, functional, and spatial information, amino acid conservation, physicochemical variation, residue mobility, and thermodynamic stability) indicates that this missense variant is not expected to disrupt FLI1 protein function with a negative predictive value of 80%. In summary, the available evidence is currently insufficient to determine the role of this variant in disease. Therefore, it has been classified as a Variant of Uncertain Significance.